The following is an entry in ClinVar:

ClinVar aggregate classification (germline): Uncertain significance (1 of 4 stars; one submission).

gnomAD v4.1: 10 of 1,613,974 alleles (0.00062%); highest among the groups gnomAD compares: East Asian, 0.0045%; no homozygotes.

Submission:

Labcorp Genetics (formerly Invitae), Labcorp
Classification: Uncertain significance. Last evaluated: 2024-11-05. Review status: criteria provided, single submitter. Criteria: Invitae Variant Classification Sherloc (09022015). Collection method: clinical testing. Allele origin: germline.
Comment: This sequence change replaces arginine, which is basic and polar, with glutamine, which is neutral and polar, at codon 586 of the CDC45 protein (p.Arg586Gln). The frequency data for this variant in the population databases is considered unreliable, as metrics indicate poor data quality at this position in the gnomAD database. This variant has not been reported in the literature in individuals affected with CDC45-related conditions. ClinVar contains an entry for this variant (Variation ID: 1502628). An algorithm developed to predict the effect of missense changes on protein structure and function (PolyPhen-2) suggests that this variant is likely to be disruptive. Algorithms developed to predict the effect of sequence changes on RNA splicing suggest that this variant may disrupt the consensus splice site. This variant disrupts the p.Arg586 amino acid residue in CDC45. Other variant(s) that disrupt this residue have been determined to be pathogenic (PMID: 27374770). This suggests that this residue is clinically significant, and that variants that disrupt this residue are likely to be disease-causing. In summary, the available evidence is currently insufficient to determine the role of this variant in disease. Therefore, it has been classified as a Variant of Uncertain Significance.

Literature cited by the submitters: PubMed 27374770.

NM_003504.5(CDC45):c.1661G>A (p.Arg554Gln)

Gene: CDC45 (cell division cycle 45; plus strand). Cytogenetic location: 22q11.21.
Variant type: single nucleotide variant.
Coding change: c.1661G>A on transcript NM_003504.5 (MANE Select); coding-DNA position 1661, G replaced by A.
Protein change: p.Arg554Gln; replaces arginine 554 with glutamine.
Molecular consequence: missense variant. On other transcripts: non-coding transcript variant (1).
Genome position (GRCh38, 1-based): chr22:19,518,868, G>A. VCF-style: chr22-19518868-G-A. GRCh37 (hg19) VCF-style: chr22-19506391-G-A.
Other names: c.1757G>A, p.Arg586Gln (NM_001178010.2); c.1523G>A, p.Arg508Gln (NM_001178011.2); c.1625G>A, p.Arg542Gln (NM_001369291.1); short protein forms R508Q, R554Q, R586Q, R542Q.
Identifiers: ClinVar variation 1502628 (VCV001502628.5), dbSNP rs1034546345, ClinGen allele CA410670111.